The following is an entry in ClinVar:

NM_000232.5(SGCB):c.255dup (p.Ile86fs)

Gene: SGCB (sarcoglycan beta; minus strand). Cytogenetic location: 4q12.
Variant type: Duplication.
Coding change: c.255dup on transcript NM_000232.5 (MANE Select); coding-DNA position 255, one base duplicated (T; older notation c.255dupT).
Protein change: p.Ile86fs; shifts the reading frame from isoleucine 86.
Molecular consequence: frameshift variant.
Genome position (GRCh38, 1-based): chr4:52,029,852, A duplicated on the plus strand (T on the coding strand, the reverse complement: SGCB is on the minus strand); the first of 2 consecutive A bases (chr4:52,029,852-52,029,853); duplicating either gives the same sequence. VCF-style (leftmost placement, unchanged base first): chr4-52029851-T-TA. GRCh37 (hg19) VCF-style: chr4-52896017-T-TA.
Other names: short protein forms I86fs.
Identifiers: ClinVar variation 1074218 (VCV001074218.7), dbSNP rs2109372084, ClinGen allele CA2499217224.

ClinVar aggregate classification (germline): Pathogenic (1 of 4 stars; one submission).

Conditions:
Autosomal recessive limb-girdle muscular dystrophy type 2E (LGMDR4). Also called: MUSCULAR DYSTROPHY, LIMB-GIRDLE, AUTOSOMAL RECESSIVE 4. Identifiers: Orphanet 119, MedGen C1858593, MONDO:0011423, OMIM 604286. Disease mechanism: Affects gamma-sarcoglycan and also disrupts the integrity of the entire sarcoglycan complex..

Submission:

Labcorp Genetics (formerly Invitae), Labcorp
Classification: Pathogenic for Autosomal recessive limb-girdle muscular dystrophy type 2E. Last evaluated: 2020-11-19. Review status: criteria provided, single submitter. Criteria: Invitae Variant Classification Sherloc (09022015). Collection method: clinical testing. Allele origin: germline.
Comment: This sequence change creates a premature translational stop signal (p.Ile86Tyrfs*13) in the SGCB gene. It is expected to result in an absent or disrupted protein product. Loss-of-function variants in SGCB are known to be pathogenic (PMID: 15938573, 18285821). For these reasons, this variant has been classified as Pathogenic. This variant has not been reported in the literature in individuals with SGCB-related conditions. This variant is not present in population databases (ExAC no frequency).

Literature cited by the submitters: PubMed 15938573; PubMed 18285821.